The following is an entry in ClinVar:

ClinVar aggregate classification (germline): Uncertain significance (1 of 4 stars; one submission).

Submission:

Labcorp Genetics (formerly Invitae), Labcorp
Classification: Uncertain significance. Last evaluated: 2021-04-27. Review status: criteria provided, single submitter. Criteria: Invitae Variant Classification Sherloc (09022015). Collection method: clinical testing. Allele origin: germline.
Comment: In summary, the available evidence is currently insufficient to determine the role of this variant in disease. Therefore, it has been classified as a Variant of Uncertain Significance. Algorithms developed to predict the effect of missense changes on protein structure and function are either unavailable or do not agree on the potential impact of this missense change (SIFT: "Tolerated"; PolyPhen-2: "Probably Damaging"; Align-GVGD: "Class C0"). This variant has not been reported in the literature in individuals with PIGV-related conditions. This variant is not present in population databases (ExAC no frequency). This sequence change replaces leucine with valine at codon 176 of the PIGV protein (p.Leu176Val). The leucine residue is moderately conserved and there is a small physicochemical difference between leucine and valine.

NM_017837.4(PIGV):c.526C>G (p.Leu176Val)

Gene: PIGV (phosphatidylinositol glycan anchor biosynthesis class V; plus strand). Cytogenetic location: 1p36.11.
Variant type: single nucleotide variant.
Coding change: c.526C>G on transcript NM_017837.4 (MANE Select); coding-DNA position 526, C replaced by G.
Protein change: p.Leu176Val; replaces leucine 176 with valine.
Molecular consequence: missense variant. On other transcripts: non-coding transcript variant (1), intron variant (3).
Genome position (GRCh38, 1-based): chr1:26,794,560, C>G. VCF-style: chr1-26794560-C-G. GRCh37 (hg19) VCF-style: chr1-27121051-C-G.
Other names: c.526C>G, p.Leu176Val (NM_001202554.2, NM_001374478.1, NM_001374480.1 and 2 more transcripts); c.145C>G, p.Leu49Val (NM_001374483.1); c.173-274C>G (NM_001374484.1, NM_001374485.1); c.79-3003C>G (NM_001374486.1); short protein forms L49V, L176V.
Identifiers: ClinVar variation 1434800 (VCV001434800.8), dbSNP rs2124194977, ClinGen allele CA339199932.